The following is an entry in ClinVar:

ClinVar aggregate classification (germline): Pathogenic (1 of 4 stars; one submission).

Conditions:
Citrin deficiency. Identifiers: Orphanet 247582, MedGen C1997910, MONDO:0016602.

Submission:

Labcorp Genetics (formerly Invitae), Labcorp
Classification: Pathogenic for Citrin deficiency. Last evaluated: 2021-04-10. Review status: criteria provided, single submitter. Criteria: Invitae Variant Classification Sherloc (09022015). Collection method: clinical testing. Allele origin: germline.
Comment: For these reasons, this variant has been classified as Pathogenic. This variant has not been reported in the literature in individuals with SLC25A13-related conditions. This variant is a gross deletion of the genomic region encompassing exon(s) 12-13 of the SLC25A13 gene. This deletion is out-of-frame, and is expected to create a premature translational stop signal and result in an absent or disrupted protein product. Loss-of-function variants in SLC25A13 are known to be pathogenic (PMID: 10369257, 14680984, 27405544).

Literature cited by the submitters: PubMed 10369257; PubMed 14680984; PubMed 27405544.

NC_000007.13:g.(?_95799347)_(95800846_?)del

Gene: SLC25A13 (solute carrier family 25 member 13; minus strand). Cytogenetic location: 7q21.3.
Variant type: Deletion.
Identifiers: ClinVar variation 1460426 (VCV001460426.6).